The following is an entry in ClinVar:

NM_001039.4(SCNN1G):c.410G>A (p.Arg137His)

Gene: SCNN1G (sodium channel epithelial 1 subunit gamma; plus strand). Cytogenetic location: 16p12.2.
Variant type: single nucleotide variant.
Coding change: c.410G>A on transcript NM_001039.4 (MANE Select); coding-DNA position 410, G replaced by A.
Protein change: p.Arg137His; replaces arginine 137 with histidine.
Molecular consequence: missense variant.
Genome position (GRCh38, 1-based): chr16:23,189,463, G>A. VCF-style: chr16-23189463-G-A. GRCh37 (hg19) VCF-style: chr16-23200784-G-A.
Other names: c.410G>A (NM_001039.3); short protein forms R137H.
Identifiers: ClinVar variation 2732418 (VCV002732418.5), dbSNP rs752038199, ClinGen allele CA7959569.
Genomic context (GRCh38, chr16:23,189,463, plus strand): 5'-TGGAACAGGAGACCAGAGAGGCCCTGAAGTCCCTGTATGGCTTTCCAGAGTCCCGGAAGC[G>A]CCGAGAGGCGGAGTCCTGGAACTCCGTCTCAGAGGGAAAGCAGCCTAGATTCTCCCACCG-3'
Protein context (NP_001030.2, residues 127-147): SLYGFPESRK[Arg137His]REAESWNSVS

ClinVar aggregate classification (germline): Uncertain significance. Review status: criteria provided, multiple submitters, no conflicts (2 of 4 stars). 3 submissions from 3 submitters: Uncertain significance (3). Last evaluated 2025-09-14.

Conditions:
Liddle syndrome 2. Identifiers: MedGen C4748251, MONDO:0020854, OMIM 618114.
Pseudohypoaldosteronism, type IB3, autosomal recessive (PHA1B3). Identifiers: MedGen C5774256, MONDO:0859318, OMIM 620126.
Bronchiectasis with or without elevated sweat chloride 3 (BESC3). Identifiers: Orphanet 60033, MedGen C2751324, MONDO:0013112, OMIM 613071.
Inborn genetic diseases. Identifiers: MedGen C0950123, MeSH D030342.

Allele frequency attached by ClinVar (database versions not stated): ExAC 0.00001; gnomAD exomes 0.00002; gnomAD 0.00003; TOPMed 0.00007.
gnomAD v4.1: 36 of 1,614,060 alleles (0.0022%); highest among the groups gnomAD compares: Admixed American, 0.013%; no homozygotes.

Submissions (3):

Labcorp Genetics (formerly Invitae), Labcorp
Classification: Uncertain significance. Last evaluated: 2025-09-14. Review status: criteria provided, single submitter. Criteria: Invitae Variant Classification Sherloc (09022015). Collection method: clinical testing. Allele origin: germline.
Comment: This sequence change replaces arginine, which is basic and polar, with histidine, which is basic and polar, at codon 137 of the SCNN1G protein (p.Arg137His). This variant is present in population databases (rs752038199, gnomAD 0.003%). This variant has not been reported in the literature in individuals affected with SCNN1G-related conditions. ClinVar contains an entry for this variant (Variation ID: 2732418). An algorithm developed to predict the effect of missense changes on protein structure and function (PolyPhen-2) suggests that this variant is likely to be disruptive. In summary, the available evidence is currently insufficient to determine the role of this variant in disease. Therefore, it has been classified as a Variant of Uncertain Significance.

Ambry Genetics
Classification: Uncertain significance for Inborn genetic diseases. Last evaluated: 2024-04-15. Review status: criteria provided, single submitter. Criteria: Ambry Variant Classification Scheme 2023. Collection method: clinical testing. Allele origin: germline.

Fulgent Genetics
Classification: Uncertain significance for Bronchiectasis with or without elevated sweat chloride 3; Liddle syndrome 2; Pseudohypoaldosteronism, type IB3, autosomal recessive. Last evaluated: 2024-02-28. Review status: criteria provided, single submitter. Criteria: ACMG Guidelines, 2015. Collection method: clinical testing. Allele origin: germline.